The following is an entry in ClinVar:

NM_000414.4(HSD17B4):c.643C>A (p.Pro215Thr)

Gene: HSD17B4 (hydroxysteroid 17-beta dehydrogenase 4; plus strand). Cytogenetic location: 5q23.1.
Variant type: single nucleotide variant.
Coding change: c.643C>A on transcript NM_000414.4 (MANE Select); coding-DNA position 643, C replaced by A.
Protein change: p.Pro215Thr; replaces proline 215 with threonine.
Molecular consequence: missense variant. On other transcripts: non-coding transcript variant (2).
Genome position (GRCh38, 1-based): chr5:119,489,212, C>A. VCF-style: chr5-119489212-C-A. GRCh37 (hg19) VCF-style: chr5-118824907-C-A.
Other names: c.718C>A, p.Pro240Thr (NM_001199291.3); c.589C>A, p.Pro197Thr (NM_001199292.2); c.571C>A, p.Pro191Thr (NM_001292027.2); c.223C>A, p.Pro75Thr (NM_001292028.2); c.634C>A, p.Pro212Thr (NM_001374497.1); c.643C>A, p.Pro215Thr (NM_001374498.1); c.316C>A, p.Pro106Thr (NM_001374499.1); c.202C>A, p.Pro68Thr (NM_001374500.1); and 1 more; short protein forms P106T, P212T, P240T, P68T, P75T, P191T, P215T, P197T.
Identifiers: ClinVar variation 907604 (VCV000907604.7), dbSNP rs552078818, ClinGen allele CA360866908.

ClinVar aggregate classification (germline): Uncertain significance. Review status: criteria provided, multiple submitters, no conflicts (2 of 4 stars). 4 submissions from 3 submitters: Uncertain significance (4). Last evaluated 2021-11-30.

Conditions:
Bifunctional peroxisomal enzyme deficiency (DBIF). Also called: DBP DEFICIENCY; PBFE DEFICIENCY; D-bifunctional protein deficiency. Identifiers: Orphanet 300, MedGen C0342870, MONDO:0009855, OMIM 261515. Disease mechanism: loss of function.
Perrault syndrome. Also called: Gonadal dysgenesis with auditory dysfunction, autosomal recessive inheritance. Identifiers: Orphanet 2855, MedGen C0685838, MONDO:0017312.
Perrault syndrome 1 (PRLTS1). Also called: GONADAL DYSGENESIS, XX TYPE, WITH DEAFNESS; OVARIAN DYSGENESIS WITH SENSORINEURAL DEAFNESS. Identifiers: Orphanet 2855, Orphanet 642945, MedGen C4551721, MONDO:0009300, OMIM 233400.

Allele frequency attached by ClinVar (database versions not stated): TOPMed below 0.00001.
gnomAD v4.1: 13 of 1,610,830 alleles (0.00081%); highest among the groups gnomAD compares: Non-Finnish European, 0.0011%; no homozygotes.

Submissions (4):

Labcorp Genetics (formerly Invitae), Labcorp
Classification: Uncertain significance for Perrault syndrome; Bifunctional peroxisomal enzyme deficiency. Last evaluated: 2021-11-30. Review status: criteria provided, single submitter. Criteria: Invitae Variant Classification Sherloc (09022015). Collection method: clinical testing. Allele origin: germline.
Comment: This sequence change replaces proline, which is neutral and non-polar, with threonine, which is neutral and polar, at codon 215 of the HSD17B4 protein (p.Pro215Thr). This variant is not present in population databases (gnomAD no frequency). This variant has not been reported in the literature in individuals affected with HSD17B4-related conditions. ClinVar contains an entry for this variant (Variation ID: 907604). Advanced modeling of protein sequence and biophysical properties (such as structural, functional, and spatial information, amino acid conservation, physicochemical variation, residue mobility, and thermodynamic stability) performed at Invitae indicates that this missense variant is expected to disrupt HSD17B4 protein function. In summary, the available evidence is currently insufficient to determine the role of this variant in disease. Therefore, it has been classified as a Variant of Uncertain Significance.

GeneDx
Classification: Uncertain significance. Last evaluated: 2020-05-07. Review status: criteria provided, single submitter. Criteria: GeneDx Variant Classification Process June 2021. Collection method: clinical testing. Allele origin: germline. Affected: yes.
Comment: Not observed in large population cohorts (Lek et al., 2016); In silico analysis supports that this missense variant has a deleterious effect on protein structure/function; Has not been previously published as pathogenic or benign to our knowledge

Illumina Laboratory Services, Illumina
Classification: Uncertain significance for Perrault syndrome 1. Last evaluated: 2018-01-13. Review status: criteria provided, single submitter. Criteria: ICSL Variant Classification Criteria 13 December 2019. Collection method: clinical testing. Allele origin: germline.

Illumina Laboratory Services, Illumina
Classification: Uncertain significance for Bifunctional peroxisomal enzyme deficiency. Last evaluated: 2018-01-13. Review status: criteria provided, single submitter. Criteria: ICSL Variant Classification Criteria 13 December 2019. Collection method: clinical testing. Allele origin: germline.